The following is an entry in ClinVar:

ClinVar aggregate classification (germline): Pathogenic/Likely pathogenic. Review status: criteria provided, multiple submitters, no conflicts (2 of 4 stars). 4 submissions from 4 submitters: Pathogenic (3); Likely pathogenic (1). Last evaluated 2024-07-01.

Conditions:
Aspartylglucosaminuria (AGU). Also called: GLYCOASPARAGINASE; GLYCOSYLASPARAGINASE DEFICIENCY; AGA DEFICIENCY; Aspartylglucos-aminuria; Aspartylglucos-amidase (AGA) deficiency. Identifiers: Orphanet 93, MedGen C0268225, MONDO:0008830, OMIM 208400, HP:0012068.

Submissions (4):

Labcorp Genetics (formerly Invitae), Labcorp
Classification: Pathogenic for Aspartylglucosaminuria. Last evaluated: 2024-07-01. Review status: criteria provided, single submitter. Criteria: Invitae Variant Classification Sherloc (09022015). Collection method: clinical testing. Allele origin: germline.
Comment: This sequence change creates a premature translational stop signal (p.Thr123Hisfs*20) in the AGA gene. It is expected to result in an absent or disrupted protein product. Loss-of-function variants in AGA are known to be pathogenic (PMID: 7627186, 11309371). This variant is not present in population databases (gnomAD no frequency). This premature translational stop signal has been observed in individual(s) with aspartylglucosaminuria (PMID: 8457202). This variant is also known as a 5 bp deletion (ACACA). ClinVar contains an entry for this variant (Variation ID: 855317). For these reasons, this variant has been classified as Pathogenic.

Fulgent Genetics
Classification: Pathogenic for Aspartylglucosaminuria. Last evaluated: 2024-01-19. Review status: criteria provided, single submitter. Criteria: ACMG Guidelines, 2015. Collection method: clinical testing. Allele origin: germline.

Myriad Genetics, Inc.
Classification: Likely pathogenic for Aspartylglucosaminuria. Last evaluated: 2021-11-16. Review status: criteria provided, single submitter. Criteria: Myriad Women's Health Autosomal Recessive and X-Linked Classification Criteria (2021). Collection method: clinical testing. Allele origin: unknown.
Comment: NM_000027.3(AGA):c.367_371del5(T123Hfs*20) is a frameshifting truncation variant classified as likely pathogenic in the context of aspartylglucosaminuria. T123Hfs*20 has not been observed in cases with relevant disease. Functional assessments of this variant are not available in the literature. T123Hfs*20 has not been observed in population frequency databases. In summary, NM_000027.3(AGA):c.367_371del5(T123Hfs*20) is a frameshifting truncation variant in a gene where loss of function is a known mechanism of disease and is predicted to disrupt protein function. Please note: this variant was assessed in the context of healthy population screening.

Genomic Medicine Lab, University of California San Francisco
Classification: Pathogenic for Aspartylglucosaminuria. Last evaluated: 2019-12-05. Review status: criteria provided, single submitter. Criteria: ACMG Guidelines, 2015. Collection method: clinical testing. Allele origin: paternal. Inheritance: Autosomal recessive inheritance. Affected: yes. Study: CSER-P3EGS.

Literature cited by the submitters: PubMed 7627186 (cited by Labcorp Genetics (formerly Invitae), Labcorp); PubMed 11309371 (cited by Labcorp Genetics (formerly Invitae), Labcorp); PubMed 8457202 (cited by Labcorp Genetics (formerly Invitae), Labcorp).

NM_000027.4(AGA):c.367_371del (p.Thr123fs)

Gene: AGA (aspartylglucosaminidase; minus strand). Cytogenetic location: 4q34.3.
Variant type: Deletion.
Coding change: c.367_371del on transcript NM_000027.4 (MANE Select); coding-DNA positions 367 to 371, 5 bases deleted (ACACA; older notation c.367_371delACACA).
Protein change: p.Thr123fs; shifts the reading frame from threonine 123.
Molecular consequence: frameshift variant. On other transcripts: non-coding transcript variant (1).
Genome position (GRCh38, 1-based): chr4:177,439,599-177,439,603, TGTGT deleted on the plus strand (ACACA on the coding strand, the reverse complement: AGA is on the minus strand); deleting any 5 consecutive bases within chr4:177,439,599-177,439,606 gives the same sequence; the c. name uses the placement nearest the transcript's 3' end. VCF-style (leftmost placement, unchanged base first): chr4-177439598-GTGTGT-G. GRCh37 (hg19) VCF-style: chr4-178360752-GTGTGT-G.
Other names: c.367_371delACACA (NM_000027.4); c.367_371del, p.Thr123fs (NM_001171988.2); short protein forms T123fs.
Identifiers: ClinVar variation 855317 (VCV000855317.16), dbSNP rs1736928101, ClinGen allele CA916082669.